The following is an entry in ClinVar:

NM_001142864.4(PIEZO1):c.2423G>A (p.Arg808Gln)

Genes: HSALR1 (HSP90AB1 associated lncRNA 1; plus strand), PIEZO1 (piezo type mechanosensitive ion channel component 1 (Er blood group); minus strand). Cytogenetic location: 16q24.3.
Variant type: single nucleotide variant.
Coding change: c.2423G>A on transcript NM_001142864.4 (MANE Select); coding-DNA position 2423, G replaced by A.
Protein change: p.Arg808Gln; replaces arginine 808 with glutamine.
Molecular consequence: missense variant.
Genome position (GRCh38, 1-based): chr16:88,733,652, C>T on the plus strand (G>A on the coding strand, the complement: PIEZO1 is on the minus strand). VCF-style: chr16-88733652-C-T. GRCh37 (hg19) VCF-style: chr16-88800060-C-T.
Other names: c.2423G>A, p.Arg808Gln (LRG_1137t1); short protein forms R808Q.
Identifiers: ClinVar variation 242664 (VCV000242664.57), dbSNP rs202103485, ClinGen allele CA082797.

ClinVar aggregate classification (germline): Conflicting classifications of pathogenicity. Review status: criteria provided, conflicting classifications (1 of 4 stars). 8 submissions from 8 submitters: Uncertain significance (3); Likely benign (2). 3 of the submissions do not count toward it. Last evaluated 2026-01-15.

Conditions:
PIEZO1-related disorder. Also called: PIEZO1-Related Disorders; PIEZO1-related condition.

Allele frequency attached by ClinVar (database versions not stated): 1000 Genomes Project 30x 0.00078; 1000 Genomes Project 0.00080; ExAC 0.00256; TOPMed 0.00345; gnomAD exomes 0.00383 and 0.00532; gnomAD 0.00400 and 0.00418.

Submissions (8):

Labcorp Genetics (formerly Invitae), Labcorp
Classification: Likely benign. Last evaluated: 2026-01-15. Review status: criteria provided, single submitter. Criteria: Invitae Variant Classification Sherloc (09022015). Collection method: clinical testing. Allele origin: germline.

ARUP Laboratories, Molecular Genetics and Genomics, ARUP Laboratories
Classification: Uncertain significance. Last evaluated: 2025-07-04. Review status: criteria provided, single submitter. Criteria: ARUP Molecular Germline Variant Investigation Process 2024. Collection method: clinical testing. Allele origin: germline.

Mayo Clinic Laboratories, Mayo Clinic
Classification: Uncertain significance. Last evaluated: 2025-04-24. Review status: criteria provided, single submitter. Criteria: ACMG Guidelines, 2015. Collection method: clinical testing. Allele origin: germline. Observed: 18 variant alleles.
Comment: BS2, BP4, PP1

Center for Genomic Medicine, Rigshospitalet, Copenhagen University Hospital
Classification: Uncertain significance. Last evaluated: 2025-03-04. Review status: criteria provided, single submitter. Criteria: ACMG Guidelines, 2015. Collection method: clinical testing. Allele origin: germline.

CeGaT Center for Human Genetics Tuebingen
Classification: Likely benign. Last evaluated: 2024-12-01. Review status: criteria provided, single submitter. Criteria: CeGaT Center For Human Genetics Tuebingen Variant Classification Criteria Version 2. Collection method: clinical testing. Allele origin: germline. Affected: yes. Observed: 8 variant alleles.
Comment: PIEZO1: BP4, BS2

PreventionGenetics, part of Exact Sciences
Classification: Likely benign for PIEZO1-related condition. Last evaluated: 2019-07-23. Review status: no assertion criteria provided. Collection method: clinical testing. Allele origin: germline. Not counted in ClinVar's aggregate classification.
Comment: This variant is classified as likely benign based on ACMG/AMP sequence variant interpretation guidelines (Richards et al. 2015 PMID: 25741868, with internal and published modifications).

Clinical Genetics, Academic Medical Center
Classification: Likely benign. Review status: no assertion criteria provided. Collection method: clinical testing. Allele origin: germline. Affected: yes. Study: VKGL Data-share Consensus. Not counted in ClinVar's aggregate classification.

Genome Diagnostics Laboratory, University Medical Center Utrecht
Classification: Likely benign. Review status: no assertion criteria provided. Collection method: clinical testing. Allele origin: germline. Affected: yes. Study: VKGL Data-share Consensus. Not counted in ClinVar's aggregate classification.

Literature cited by the submitters: PubMed 11001917 (cited by Mayo Clinic Laboratories, Mayo Clinic); PubMed 23479567 (cited by Mayo Clinic Laboratories, Mayo Clinic); PubMed 28619848 (cited by Mayo Clinic Laboratories, Mayo Clinic); PubMed 30655378 (cited by Mayo Clinic Laboratories, Mayo Clinic and Center for Genomic Medicine, Rigshospitalet, Copenhagen University Hospital); PubMed 34737711 (cited by Mayo Clinic Laboratories, Mayo Clinic and Center for Genomic Medicine, Rigshospitalet, Copenhagen University Hospital); PubMed 36882369 (cited by Mayo Clinic Laboratories, Mayo Clinic); PubMed 36959127 (cited by Mayo Clinic Laboratories, Mayo Clinic); PubMed 32036089 (cited by Center for Genomic Medicine, Rigshospitalet, Copenhagen University Hospital).